The following is an entry in ClinVar:

ClinVar aggregate classification (germline): Likely benign (1 of 4 stars; one submission).

Allele frequency attached by ClinVar (database versions not stated): 1000 Genomes Project 30x 0.00078; 1000 Genomes Project 0.00080; gnomAD 0.00379; ESP Exome Variant Server 0.00400; gnomAD exomes 0.00608; ExAC 0.00690.
gnomAD v4.1: 9,320 of 1,610,736 alleles (0.58%); highest among the groups gnomAD compares: Non-Finnish European, 0.72%; 43 homozygotes.

Submission:

CeGaT Center for Human Genetics Tuebingen
Classification: Likely benign. Last evaluated: 2023-01-01. Review status: criteria provided, single submitter. Criteria: CeGaT Center For Human Genetics Tuebingen Variant Classification Criteria Version 2. Collection method: clinical testing. Allele origin: germline. Affected: yes. Observed: 1 variant allele.
Comment: PLEKHO2: BP4, BS2

NM_025201.5(PLEKHO2):c.163-4C>G

Gene: PLEKHO2 (pleckstrin homology domain containing O2; plus strand). Cytogenetic location: 15q22.31.
Variant type: single nucleotide variant.
Coding change: c.163-4C>G on transcript NM_025201.5 (MANE Select); 4 bases into the intron before coding-DNA position 163, C replaced by G.
Molecular consequence: intron variant.
Genome position (GRCh38, 1-based): chr15:64,854,917, C>G. VCF-style: chr15-64854917-C-G. GRCh37 (hg19) VCF-style: chr15-65147116-C-G.
Other names: c.13-4C>G (NM_001195059.2).
Identifiers: ClinVar variation 2645446 (VCV002645446.24), dbSNP rs200372603, ClinGen allele CA7611835.
Genomic context (GRCh38, chr15:64,854,917, plus strand): 5'-GTAGTTGAGGGTGGTGGTGGGTCTGACTGTCACCAGCTCATGTCCCTTCTGTCTCCCTCC[C>G]CAGGATGATCAGAAGTGTGTGGAGACTGTGGAGCTGGGCAGCTATGAGAAGTGCCAGGAC-3'